The following is an entry in ClinVar:

ClinVar aggregate classification (germline): Likely pathogenic. Review status: criteria provided, multiple submitters, no conflicts (2 of 4 stars). 2 submissions from 2 submitters: Likely pathogenic (2). Last evaluated 2023-08-29.

Conditions:
SYNE1-related disorder. Also called: SYNE1-related disorders; SYNE1-related disease; SYNE1-related condition.

Submissions (2):

Blueprint Genetics
Classification: Likely pathogenic for SYNE1-related disorders. Last evaluated: 2023-08-29. Review status: criteria provided, single submitter. Criteria: ACMG Guidelines, 2015. Collection method: clinical testing. Allele origin: germline. Affected: yes. Observed: 1 variant allele.

Athena Diagnostics
Classification: Likely pathogenic. Last evaluated: 2021-02-16. Review status: criteria provided, single submitter. Criteria: Athena Diagnostics criteria. Collection method: clinical testing. Allele origin: unknown.
Comment: This variant is expected to result in the loss of a functional protein. This variant has not been reported in large, multi-ethnic general populations.

NM_182961.4(SYNE1):c.11138_11145del (p.Ser3713fs)

Gene: SYNE1 (spectrin repeat containing nuclear envelope protein 1; minus strand). Cytogenetic location: 6q25.2.
Variant type: Deletion.
Coding change: c.11138_11145del on transcript NM_182961.4 (MANE Select); coding-DNA positions 11138 to 11145, 8 bases deleted (CCCTCAGT; older notation c.11138_11145delCCCTCAGT).
Protein change: p.Ser3713fs; shifts the reading frame from serine 3713.
Molecular consequence: frameshift variant.
Genome position (GRCh38, 1-based): chr6:152,353,371-152,353,378, ACTGAGGG deleted on the plus strand (CCCTCAGT on the coding strand, the reverse complement: SYNE1 is on the minus strand); deleting any 8 consecutive bases within chr6:152,353,371-152,353,379 gives the same sequence; the c. name uses the placement nearest the transcript's 3' end. VCF-style (leftmost placement, unchanged base first): chr6-152353370-AACTGAGGG-A. GRCh37 (hg19) VCF-style: chr6-152674505-AACTGAGGG-A.
Other names: c.11093_11100del, p.Ser3698fs (NM_033071.5); short protein forms S3698fs, S3713fs.
Identifiers: ClinVar variation 805541 (VCV000805541.3), dbSNP rs1590884711, ClinGen allele CA915944477.